The following is an entry in ClinVar:

ClinVar aggregate classification (germline): Conflicting classifications of pathogenicity. Review status: criteria provided, conflicting classifications (1 of 4 stars). 2 submissions from 2 submitters: Uncertain significance (1); Likely benign (1). Last evaluated 2023-05-20.

Conditions:
Primary ciliary dyskinesia. Also called: Ciliary dyskinesia. Identifiers: Orphanet 244, MedGen C0008780, MONDO:0016575, HP:0012265.

Allele frequency attached by ClinVar (database versions not stated): ExAC 0.00001; gnomAD exomes 0.00001; gnomAD 0.00004; TOPMed 0.00004.

Submissions (2):

Labcorp Genetics (formerly Invitae), Labcorp
Classification: Uncertain significance for Primary ciliary dyskinesia. Last evaluated: 2023-05-20. Review status: criteria provided, single submitter. Criteria: Invitae Variant Classification Sherloc (09022015). Collection method: clinical testing. Allele origin: germline.
Comment: In summary, the available evidence is currently insufficient to determine the role of this variant in disease. Therefore, it has been classified as a Variant of Uncertain Significance. Advanced modeling of protein sequence and biophysical properties (such as structural, functional, and spatial information, amino acid conservation, physicochemical variation, residue mobility, and thermodynamic stability) performed at Invitae indicates that this missense variant is not expected to disrupt DNAAF3 protein function. ClinVar contains an entry for this variant (Variation ID: 1745211). This variant has not been reported in the literature in individuals affected with DNAAF3-related conditions. This variant is present in population databases (rs775837121, gnomAD 0.02%). This sequence change replaces threonine, which is neutral and polar, with alanine, which is neutral and non-polar, at codon 398 of the DNAAF3 protein (p.Thr398Ala).

Ambry Genetics
Classification: Likely benign for Primary ciliary dyskinesia. Last evaluated: 2018-12-11. Review status: criteria provided, single submitter. Criteria: Ambry Variant Classification Scheme 2023. Collection method: clinical testing. Allele origin: germline.

NM_001256715.2(DNAAF3):c.988A>G (p.Thr330Ala)

Genes: DNAAF3 (dynein axonemal assembly factor 3; minus strand), DNAAF3-AS1 (DNAAF3 antisense RNA 1; plus strand), LOC130065090 (ATAC-STARR-seq lymphoblastoid silent region 11016; plus strand). Cytogenetic location: 19q13.42.
Variant type: single nucleotide variant.
Coding change: c.988A>G on transcript NM_001256715.2 (MANE Select); coding-DNA position 988, A replaced by G.
Protein change: p.Thr330Ala; replaces threonine 330 with alanine.
Molecular consequence: missense variant.
Genome position (GRCh38, 1-based): chr19:55,160,700, T>C on the plus strand (A>G on the coding strand, the complement: DNAAF3 is on the minus strand). VCF-style: chr19-55160700-T-C. GRCh37 (hg19) VCF-style: chr19-55672068-T-C.
Other names: c.1192A>G, p.Thr398Ala (NM_001256714.1); c.826A>G, p.Thr276Ala (NM_001256716.2); c.1129A>G, p.Thr377Ala (NM_178837.4); short protein forms T377A, T276A, T330A, T398A.
Identifiers: ClinVar variation 1745211 (VCV001745211.4), dbSNP rs775837121, ClinGen allele CA9667988.